The following is an entry in ClinVar:

ClinVar aggregate classification (germline): Likely pathogenic (1 of 4 stars; one submission).

Conditions:
Ataxia. Identifiers: MedGen C0004134, HP:0001251.

Submission:

Clinical Genetics Laboratory, Skane University Hospital Lund
Classification: Likely pathogenic for Ataxia. Last evaluated: 2025-11-06. Review status: criteria provided, single submitter. Criteria: ACMG Guidelines, 2015. Collection method: clinical testing. Allele origin: germline. Inheritance: Autosomal recessive inheritance. Affected: yes.
Comment: ACMG criteria used: PM1, PM2, PP1 and PP4. The variant was detected in trans (confirmed in trio) with another likely pathogenic RNU12-variant (n.141G>C).

NR_029422.2(RNU12):n.139G>T

Gene: RNU12 (RNA, U12 small nuclear; plus strand). Cytogenetic location: 22q13.2.
Variant type: single nucleotide variant.
Molecular consequence: non-coding transcript variant (on NR_029422.2).
Genome position: GRCh38 VCF-style: chr22-42615382-G-T. GRCh37 (hg19) VCF-style: chr22-43011388-G-T.
Identifiers: ClinVar variation 4526714 (VCV004526714.1).